The following is an entry in ClinVar:

ClinVar aggregate classification (germline): Likely benign. Review status: criteria provided, single submitter (1 of 4 stars). 2 submissions from 2 submitters: Likely benign (1). 1 of the submissions does not count toward it. Last evaluated 2024-10-29.

Conditions:
MYCN-related disorder. Also called: MYCN-related condition.

Submissions (2):

Blueprint Genetics
Classification: Likely benign. Last evaluated: 2024-10-29. Review status: criteria provided, single submitter. Criteria: ACMG Guidelines, 2015. Collection method: clinical testing. Allele origin: germline.

PreventionGenetics, part of Exact Sciences
Classification: Uncertain significance for MYCN-related condition. Last evaluated: 2023-12-28. Review status: no assertion criteria provided. Collection method: clinical testing. Allele origin: germline. Not counted in ClinVar's aggregate classification.
Comment: The MYCN c.248C>T variant is predicted to result in the amino acid substitution p.Pro83Leu. To our knowledge, this variant has not been reported in the literature. This variant is reported in 0.017% of alleles in individuals of Latino descent in gnomAD. At this time, the clinical significance of this variant is uncertain due to the absence of conclusive functional and genetic evidence.

NM_005378.6(MYCN):c.-27C>T

Genes: MYCN (MYCN proto-oncogene, bHLH transcription factor; plus strand), MYCNOS (MYCN opposite strand; minus strand). Cytogenetic location: 2p24.3.
Variant type: single nucleotide variant.
Coding change: c.-27C>T on transcript NM_005378.6 (MANE Select); 27 bases upstream of the start codon, C replaced by T.
Molecular consequence: 5 prime UTR variant. On other transcripts: missense variant (1), intron variant (1).
Genome position (GRCh38, 1-based): chr2:15,942,038, C>T. VCF-style: chr2-15942038-C-T. GRCh37 (hg19) VCF-style: chr2-16082160-C-T.
Other names: c.-27C>T (NM_001293228.2); c.248C>T, p.Pro83Leu (NM_001293233.2); c.157+1295C>T (NM_001293231.2); short protein forms P83L.
Identifiers: ClinVar variation 2629965 (VCV002629965.4), dbSNP rs769956590, ClinGen allele CA1538086.